The following is an entry in ClinVar:

ClinVar aggregate classification (germline): Uncertain significance (1 of 4 stars; one submission).

Submission:

Ambry Genetics
Classification: Uncertain significance. Last evaluated: 2025-08-30. Review status: criteria provided, single submitter. Criteria: Ambry Variant Classification Scheme 2023. Collection method: clinical testing. Allele origin: germline.
Comment: The p.T694I variant (also known as c.2081C>T), located in coding exon 21 of the KIF1B gene, results from a C to T substitution at nucleotide position 2081. The threonine at codon 694 is replaced by isoleucine, an amino acid with similar properties. This amino acid position is conserved. In addition, the in silico prediction for this alteration is inconclusive. Based on the available evidence, the clinical significance of this variant remains unclear.

NM_001365951.3(KIF1B):c.2219C>T (p.Thr740Ile)

Gene: KIF1B (kinesin family member 1B; plus strand). Cytogenetic location: 1p36.22.
Variant type: single nucleotide variant.
Coding change: c.2219C>T on transcript NM_001365951.3 (MANE Select); coding-DNA position 2219, C replaced by T.
Protein change: p.Thr740Ile; replaces threonine 740 with isoleucine.
Molecular consequence: missense variant.
Genome position (GRCh38, 1-based): chr1:10,321,718, C>T. VCF-style: chr1-10321718-C-T. GRCh37 (hg19) VCF-style: chr1-10381776-C-T.
Other names: c.2219C>T, p.Thr740Ile (NM_001365952.1); c.2081C>T, p.Thr694Ile (NM_015074.3); short protein forms T740I, T694I.
Identifiers: ClinVar variation 4092391 (VCV004092391.1).
Genomic context (GRCh38, chr1:10,321,718, plus strand): 5'-TTTTATATAGTTGTAAGATTGCCATTAAATATGCATCATTCATTCTTTCAGTTCCTTGGA[C>T]ACAGCATGAATTTGAGTTGGCCCAATGGGCCTTCCGGAAATGGAAGTCTCATCAGTTTAC-3'
Protein context (NP_001352880.1, residues 730-750): EEEEEEEVPW[Thr740Ile]QHEFELAQWA